The following is an entry in ClinVar:

NM_018671.5(UNC45A):c.431G>A (p.Arg144Gln)

Gene: UNC45A (unc-45 myosin chaperone A; plus strand). Cytogenetic location: 15q26.1.
Variant type: single nucleotide variant.
Coding change: c.431G>A on transcript NM_018671.5 (MANE Select); coding-DNA position 431, G replaced by A.
Protein change: p.Arg144Gln; replaces arginine 144 with glutamine.
Molecular consequence: missense variant. On other transcripts: 5 prime UTR variant (1).
Genome position (GRCh38, 1-based): chr15:90,939,735, G>A. VCF-style: chr15-90939735-G-A. GRCh37 (hg19) VCF-style: chr15-91482965-G-A.
Other names: c.386G>A, p.Arg129Gln (NM_001039675.2, NM_001323621.2); c.431G>A, p.Arg144Gln (NM_001323619.1); c.-5G>A (NM_001323620.2); c.431G>A (NM_018671.3); short protein forms R129Q, R144Q.
Identifiers: ClinVar variation 1436161 (VCV001436161.6), dbSNP rs148545882, ClinGen allele CA7742542.

ClinVar aggregate classification (germline): Uncertain significance. Review status: criteria provided, multiple submitters, no conflicts (2 of 4 stars). 2 submissions from 2 submitters: Uncertain significance (2). Last evaluated 2024-10-20.

Conditions:
Inborn genetic diseases. Identifiers: MedGen C0950123, MeSH D030342.

Allele frequency attached by ClinVar (database versions not stated): gnomAD exomes 0.00002 and 0.00004; ExAC 0.00005; ESP Exome Variant Server 0.00015; gnomAD 0.00016 and 0.00019; TOPMed 0.00019.
gnomAD v4.1: 56 of 1,614,064 alleles (0.0035%); highest among the groups gnomAD compares: African/African-American, 0.04%; no homozygotes.

Submissions (2):

Ambry Genetics
Classification: Uncertain significance for Inborn genetic diseases. Last evaluated: 2024-10-20. Review status: criteria provided, single submitter. Criteria: Ambry Variant Classification Scheme 2023. Collection method: clinical testing. Allele origin: germline.

Labcorp Genetics (formerly Invitae), Labcorp
Classification: Uncertain significance. Last evaluated: 2022-10-13. Review status: criteria provided, single submitter. Criteria: Invitae Variant Classification Sherloc (09022015). Collection method: clinical testing. Allele origin: germline.
Comment: This sequence change replaces arginine, which is basic and polar, with glutamine, which is neutral and polar, at codon 144 of the UNC45A protein (p.Arg144Gln). This variant is present in population databases (rs148545882, gnomAD 0.05%). This variant has not been reported in the literature in individuals affected with UNC45A-related conditions. ClinVar contains an entry for this variant (Variation ID: 1436161). Advanced modeling of protein sequence and biophysical properties (such as structural, functional, and spatial information, amino acid conservation, physicochemical variation, residue mobility, and thermodynamic stability) performed at Invitae indicates that this missense variant is not expected to disrupt UNC45A protein function. In summary, the available evidence is currently insufficient to determine the role of this variant in disease. Therefore, it has been classified as a Variant of Uncertain Significance.